The following is an entry in ClinVar:

NM_001172303.3(MASTL):c.1415A>G (p.Glu472Gly)

Gene: MASTL (microtubule associated serine/threonine kinase like; plus strand). Cytogenetic location: 10p12.1.
Variant type: single nucleotide variant.
Coding change: c.1415A>G on transcript NM_001172303.3 (MANE Select); coding-DNA position 1415, A replaced by G.
Protein change: p.Glu472Gly; replaces glutamic acid 472 with glycine.
Molecular consequence: missense variant. On other transcripts: non-coding transcript variant (1).
Genome position (GRCh38, 1-based): chr10:27,170,374, A>G. VCF-style: chr10-27170374-A-G. GRCh37 (hg19) VCF-style: chr10-27459303-A-G.
Other names: p.Glu472Gly; c.1415A>G, p.Glu472Gly (NM_001172304.3, NM_001320756.2, NM_001320757.2 and 1 more transcripts); c.932A>G, p.Glu311Gly (NM_001372029.1, NM_001372030.1); short protein forms E472G, E311G.
Identifiers: ClinVar variation 299794 (VCV000299794.8), dbSNP rs139695329, ClinGen allele CA5450214.

ClinVar aggregate classification (germline): Benign/Likely benign. Review status: criteria provided, multiple submitters, no conflicts (2 of 4 stars). 4 submissions from 4 submitters: Benign (2); Likely benign (2). Last evaluated 2024-09-23.

Conditions:
Thrombocytopenia. Identifiers: MedGen C0040034, MeSH D013921, MONDO:0002049, HP:0001873.

Allele frequency attached by ClinVar (database versions not stated): gnomAD exomes 0.00051; ExAC 0.00067; 1000 Genomes Project 30x 0.00156; 1000 Genomes Project 0.00160; ESP Exome Variant Server 0.00208; gnomAD 0.00209 and 0.00223; TOPMed 0.00219.
gnomAD v4.1: 614 of 1,613,962 alleles (0.038%); highest among the groups gnomAD compares: African/African-American, 0.74%; no homozygotes.

Submissions (4):

Blueprint Genetics
Classification: Likely benign. Last evaluated: 2024-09-23. Review status: criteria provided, single submitter. Criteria: ACMG Guidelines, 2015. Collection method: clinical testing. Allele origin: germline.

Mayo Clinic Laboratories, Mayo Clinic
Classification: Likely benign. Last evaluated: 2023-10-05. Review status: criteria provided, single submitter. Criteria: ACMG Guidelines, 2015. Collection method: clinical testing. Allele origin: germline. Observed: 3 variant alleles.
Comment: BS1, BP4

Illumina Laboratory Services, Illumina
Classification: Benign for Thrombocytopenia. Last evaluated: 2018-01-13. Review status: criteria provided, single submitter. Criteria: ICSL Variant Classification Criteria 13 December 2019. Collection method: clinical testing. Allele origin: germline.
Comment: This variant was observed in the ICSL laboratory as part of a predisposition screen in an ostensibly healthy population. It had not been previously curated by ICSL or reported in the Human Gene Mutation Database (HGMD: prior to June 1st, 2018), and was therefore a candidate for classification through an automated scoring system. Utilizing variant allele frequency, disease prevalence and penetrance estimates, and inheritance mode, an automated score was calculated to assess if this variant is too frequent to cause the disease. Based on the score and internal cut-off values, a variant classified as benign is not then subjected to further curation. The score for this variant resulted in a classification of benign for this disease.

Breakthrough Genomics
Classification: Benign. Review status: criteria provided, single submitter. Criteria: ACMG Guidelines, 2015. Collection method: not provided. Allele origin: germline. Inheritance: Unknown mechanism. Affected: yes.